The following is an entry in ClinVar:

ClinVar aggregate classification (germline): Likely benign. Review status: criteria provided, multiple submitters, no conflicts (2 of 4 stars). 3 submissions from 3 submitters: Likely benign (2). 1 of the submissions does not count toward it. Last evaluated 2025-07-31.

Conditions:
PDE6C-related disorder. Also called: PDE6C-related condition.

Allele frequency attached by ClinVar (database versions not stated): ExAC 0.00001; gnomAD exomes 0.00003 and 0.00010; TOPMed 0.00003; gnomAD 0.00006.
gnomAD v4.1: 150 of 1,613,920 alleles (0.0093%); highest among the groups gnomAD compares: Non-Finnish European, 0.012%; no homozygotes.

Submissions (3):

Labcorp Genetics (formerly Invitae), Labcorp
Classification: Likely benign. Last evaluated: 2025-07-31. Review status: criteria provided, single submitter. Criteria: Invitae Variant Classification Sherloc (09022015). Collection method: clinical testing. Allele origin: germline.

Blueprint Genetics
Classification: Likely benign. Last evaluated: 2019-07-15. Review status: criteria provided, single submitter. Criteria: ACMG Guidelines, 2015. Collection method: clinical testing. Allele origin: germline.

PreventionGenetics, part of Exact Sciences
Classification: Likely benign for PDE6C-related condition. Last evaluated: 2019-10-15. Review status: no assertion criteria provided. Collection method: clinical testing. Allele origin: germline. Not counted in ClinVar's aggregate classification.
Comment: This variant is classified as likely benign based on ACMG/AMP sequence variant interpretation guidelines (Richards et al. 2015 PMID: 25741868, with internal and published modifications).

NM_006204.4(PDE6C):c.481-4T>A

Gene: PDE6C (phosphodiesterase 6C; plus strand). Cytogenetic location: 10q23.33.
Variant type: single nucleotide variant.
Coding change: c.481-4T>A on transcript NM_006204.4 (MANE Select); 4 bases into the intron before coding-DNA position 481, T replaced by A.
Molecular consequence: intron variant.
Genome position (GRCh38, 1-based): chr10:93,620,628, T>A. VCF-style: chr10-93620628-T-A. GRCh37 (hg19) VCF-style: chr10-95380385-T-A.
Identifiers: ClinVar variation 866430 (VCV000866430.13), dbSNP rs535191090, ClinGen allele CA5609864.